The following is an entry in ClinVar:

ClinVar aggregate classification (germline): Uncertain significance (1 of 4 stars; one submission).

Conditions:
Neurodevelopmental disorder with hypotonia, neonatal respiratory insufficiency, and thermodysregulation. Identifiers: MedGen C5394091, MONDO:0032921, OMIM 618797.

Submission:

Juno Genomics, Hangzhou Juno Genomics, Inc
Classification: Uncertain significance for Neurodevelopmental disorder with hypotonia, neonatal respiratory insufficiency, and thermodysregulation. Review status: criteria provided, single submitter. Criteria: ACMG Guidelines, 2015. Collection method: clinical testing. Allele origin: germline.
Comment: Absent from controls (or at extremely low frequency if recessive) in Genome Aggregation Database.;Missense variant in a gene that has a low rate of benign missense variation.

NM_001346249.2(RALGAPA1):c.2654G>C (p.Arg885Thr)

Gene: RALGAPA1 (Ral GTPase activating protein catalytic subunit alpha 1; minus strand). Cytogenetic location: 14q13.2.
Variant type: single nucleotide variant.
Coding change: c.2654G>C on transcript NM_001346249.2 (MANE Select); coding-DNA position 2654, G replaced by C.
Protein change: p.Arg885Thr; replaces arginine 885 with threonine.
Molecular consequence: missense variant. On other transcripts: intron variant (8).
Genome position (GRCh38, 1-based): chr14:35,689,757, C>G on the plus strand (G>C on the coding strand, the complement: RALGAPA1 is on the minus strand). VCF-style: chr14-35689757-C-G. GRCh37 (hg19) VCF-style: chr14-36158963-C-G.
Other names: c.2513G>C, p.Arg838Thr (NM_001330075.3, NM_001346248.2); c.2434+79G>C (NM_194301.4, NM_001346246.2, NM_014990.3 and 2 more transcripts); c.2575+79G>C (NM_001346247.2, NM_001283044.3, NM_001346245.2); short protein forms R885T, R838T.
Identifiers: ClinVar variation 5005320 (VCV005005320.2).